The following is an entry in ClinVar:

ClinVar aggregate classification (germline): Uncertain significance (1 of 4 stars; one submission).

Conditions:
Gastrointestinal stromal tumor. Also called: Gastrointestinal stromal tumor, somatic; Gastrointestinal stroma tumor. Identifiers: Orphanet 44890, MedGen C0238198, MeSH D046152, MONDO:0011719, OMIM 606764, HP:0100723.

Submission:

Labcorp Genetics (formerly Invitae), Labcorp
Classification: Uncertain significance for Gastrointestinal stromal tumor. Last evaluated: 2018-10-01. Review status: criteria provided, single submitter. Criteria: Invitae Variant Classification Sherloc (09022015). Collection method: clinical testing. Allele origin: germline.
Comment: In summary, the available evidence is currently insufficient to determine the role of this variant in disease. Therefore, it has been classified as a Variant of Uncertain Significance. Algorithms developed to predict the effect of missense changes on protein structure and function are either unavailable or do not agree on the potential impact of this missense change (SIFT: "Deleterious"; PolyPhen-2: "Benign"; Align-GVGD: "Class C0"). This variant has not been reported in the literature in individuals with PDGFRA-related disease. This variant is not present in population databases (ExAC no frequency). This sequence change replaces serine with isoleucine at codon 164 of the PDGFRA protein (p.Ser164Ile). The serine residue is weakly conserved and there is a large physicochemical difference between serine and isoleucine.

NM_006206.6(PDGFRA):c.491G>T (p.Ser164Ile)

Gene: PDGFRA (platelet derived growth factor receptor alpha; plus strand). Cytogenetic location: 4q12.
Variant type: single nucleotide variant.
Coding change: c.491G>T on transcript NM_006206.6 (MANE Select); coding-DNA position 491, G replaced by T.
Protein change: p.Ser164Ile; replaces serine 164 with isoleucine.
Molecular consequence: missense variant.
Genome position (GRCh38, 1-based): chr4:54,263,790, G>T. VCF-style: chr4-54263790-G-T. GRCh37 (hg19) VCF-style: chr4-55129957-G-T.
Other names: c.491G>T, p.Ser164Ile (NM_001347827.2, NM_001347829.2); c.566G>T, p.Ser189Ile (NM_001347828.2); c.530G>T, p.Ser177Ile (NM_001347830.2); short protein forms S164I, S177I, S189I.
Identifiers: ClinVar variation 663991 (VCV000663991.9), dbSNP rs1577709452, ClinGen allele CA356889938.